The following is an entry in ClinVar:

NM_000037.4(ANK1):c.2170C>T (p.Gln724Ter)

Gene: ANK1 (ankyrin 1; minus strand). Cytogenetic location: 8p11.21.
Variant type: single nucleotide variant.
Coding change: c.2170C>T on transcript NM_000037.4 (MANE Select); coding-DNA position 2170, C replaced by T.
Protein change: p.Gln724Ter; replaces glutamine 724 with a stop codon.
Molecular consequence: nonsense.
Genome position (GRCh38, 1-based): chr8:41,704,400, G>A on the plus strand (C>T on the coding strand, the complement: ANK1 is on the minus strand). VCF-style: chr8-41704400-G-A. GRCh37 (hg19) VCF-style: chr8-41561918-G-A.
Other names: c.2269C>T, p.Gln757Ter (NM_001142446.2); c.2170C>T, p.Gln724Ter (NM_020475.3, NM_020476.3, NM_020477.3); short protein forms Q724*, Q757*.
Identifiers: ClinVar variation 3609646 (VCV003609646.3).

ClinVar aggregate classification (germline): Pathogenic. Review status: criteria provided, single submitter (1 of 4 stars). 2 submissions from 2 submitters: Pathogenic (1). 1 of the submissions does not count toward it. Last evaluated 2026-02-01.

Conditions:
Hereditary spherocytosis type 1. Also called: Spherocytosis type 1; ANK1-Related Spherocytosis. Identifiers: Orphanet 822, MedGen C2674218, MONDO:0008447, OMIM 182900.

Submissions (2):

Labcorp Genetics (formerly Invitae), Labcorp
Classification: Pathogenic. Last evaluated: 2026-02-01. Review status: criteria provided, single submitter. Criteria: Invitae Variant Classification Sherloc (09022015). Collection method: clinical testing. Allele origin: germline.
Comment: This sequence change creates a premature translational stop signal (p.Gln724*) in the ANK1 gene. It is expected to result in an absent or disrupted protein product. Loss-of-function variants in ANK1 are known to be pathogenic (PMID: 8640229). This variant is not present in population databases (gnomAD no frequency). This premature translational stop signal has been observed in individual(s) with hereditary spherocytosis (PMID: 31602632). This variant is also known as c.2269C>T, p.Gln757Ter. ClinVar contains an entry for this variant (Variation ID: 3609646). For these reasons, this variant has been classified as Pathogenic.

Laboratory of Medical Genetics, National & Kapodistrian University of Athens
Classification: Likely pathogenic for Hereditary spherocytosis type 1. Last evaluated: 2026-07-29. Review status: no assertion criteria provided. Collection method: clinical testing. Allele origin: germline. Inheritance: Autosomal dominant inheritance. Affected: yes. Observed: 1 variant allele, 1 heterozygote. Not counted in ClinVar's aggregate classification.

Literature cited by the submitters: PubMed 8640229 (cited by Labcorp Genetics (formerly Invitae), Labcorp); PubMed 31602632 (cited by Labcorp Genetics (formerly Invitae), Labcorp and Laboratory of Medical Genetics, National & Kapodistrian University of Athens).